The following is an entry in ClinVar:

NM_017654.4(SAMD9):c.4202C>A (p.Thr1401Asn)

Gene: SAMD9 (sterile alpha motif domain containing 9; minus strand). Cytogenetic location: 7q21.2.
Variant type: single nucleotide variant.
Coding change: c.4202C>A on transcript NM_017654.4 (MANE Select); coding-DNA position 4202, C replaced by A.
Protein change: p.Thr1401Asn; replaces threonine 1401 with asparagine.
Molecular consequence: missense variant.
Genome position (GRCh38, 1-based): chr7:93,101,896, G>T on the plus strand (C>A on the coding strand, the complement: SAMD9 is on the minus strand). VCF-style: chr7-93101896-G-T. GRCh37 (hg19) VCF-style: chr7-92731209-G-T.
Other names: c.4202C>A, p.Thr1401Asn (NM_001193307.2); short protein forms T1401N.
Identifiers: ClinVar variation 1422729 (VCV001422729.8), dbSNP rs1156660931, ClinGen allele CA368180211.
Genomic context (GRCh38, chr7:93,101,896, plus strand): 5'-GGTTGCAAGACTTCTCGAAGCTGATCTTTTAGTTTTTCAACTGGCTTTACTAATCTGGAG[G>T]TAGGTTGGATACAGGAGAGAATAATGTTGGCCAAGATGAAATTTAGCTTTTCTTTTGACT-3'
Protein context (NP_060124.2, residues 1391-1411): ANIILSCIQP[Thr1401Asn]SRLVKPVEKL

ClinVar aggregate classification (germline): Uncertain significance (1 of 4 stars; one submission).

gnomAD v4.1: 1 of 1,613,822 alleles (0.000062%); highest among the groups gnomAD compares: Non-Finnish European, 0.000085%; no homozygotes.

Submission:

Labcorp Genetics (formerly Invitae), Labcorp
Classification: Uncertain significance. Last evaluated: 2022-10-24. Review status: criteria provided, single submitter. Criteria: Invitae Variant Classification Sherloc (09022015). Collection method: clinical testing. Allele origin: germline.
Comment: This sequence change replaces threonine, which is neutral and polar, with asparagine, which is neutral and polar, at codon 1401 of the SAMD9 protein (p.Thr1401Asn). This variant is not present in population databases (gnomAD no frequency). This variant has not been reported in the literature in individuals affected with SAMD9-related conditions. ClinVar contains an entry for this variant (Variation ID: 1422729). Advanced modeling of protein sequence and biophysical properties (such as structural, functional, and spatial information, amino acid conservation, physicochemical variation, residue mobility, and thermodynamic stability) performed at Invitae indicates that this missense variant is not expected to disrupt SAMD9 protein function. In summary, the available evidence is currently insufficient to determine the role of this variant in disease. Therefore, it has been classified as a Variant of Uncertain Significance.